The following is an entry in ClinVar:

NM_000092.5(COL4A4):c.3963T>C (p.Asp1321=)

Gene: COL4A4 (collagen type IV alpha 4 chain; minus strand). Cytogenetic location: 2q36.3.
Variant type: single nucleotide variant.
Coding change: c.3963T>C on transcript NM_000092.5 (MANE Select); coding-DNA position 3963, T replaced by C.
Protein change: p.Asp1321=; no amino-acid change (aspartic acid 1321 retained).
Molecular consequence: synonymous variant.
Genome position (GRCh38, 1-based): chr2:227,030,453, A>G on the plus strand (T>C on the coding strand, the complement: COL4A4 is on the minus strand). VCF-style: chr2-227030453-A-G. GRCh37 (hg19) VCF-style: chr2-227895169-A-G.
Other names: p.Asp1321=.
Identifiers: ClinVar variation 255034 (VCV000255034.25), dbSNP rs116124529, ClinGen allele CA2144381.
Genomic context (GRCh38, chr2:227,030,453, plus strand): 5'-GTAAGATAACCAAGTTATTCACATATTACTTAACGGAACAACATTCATACCTTTCTGGCC[A>G]TCTTTTCCATCACATCCTGGAAAGCCTTTGTATCCTGGAGGGCCTGGTGGGCCAGGGGGA-3'
Protein context (NP_000083.3, residues 1311-1331): YKGFPGCDGK[Asp1321=]GQKGPVGFPG

ClinVar aggregate classification (germline): Benign/Likely benign. Review status: criteria provided, multiple submitters, no conflicts (2 of 4 stars). 11 submissions from 11 submitters: Benign (7); Likely benign (1). 3 of the submissions do not count toward it. Last evaluated 2026-02-01.

Conditions:
Kidney disorder. Also called: Nephropathy; Kidney disease; Kidney Diseases; renal disorder; renal disease. Identifiers: MedGen C0022658, MONDO:0005240, HP:0000112.
Alport syndrome. Also called: Hemorrhagic familial nephritis; Hemorrhagic hereditary nephritis; Congenital hereditary hematuria. Identifiers: Orphanet 63, MedGen C1567741, MONDO:0018965.

Allele frequency attached by ClinVar (database versions not stated): gnomAD exomes 0.00060 and 0.00157; ExAC 0.00183; gnomAD 0.00601 and 0.00639; ESP Exome Variant Server 0.00651; TOPMed 0.00694; 1000 Genomes Project 30x 0.00921; 1000 Genomes Project 0.00958.
gnomAD v4.1: 1,831 of 1,614,216 alleles (0.11%); highest among the groups gnomAD compares: African/African-American, 2.1%; 22 homozygotes.

Submissions (11):

Labcorp Genetics (formerly Invitae), Labcorp
Classification: Benign. Last evaluated: 2026-02-01. Review status: criteria provided, single submitter. Criteria: Invitae Variant Classification Sherloc (09022015). Collection method: clinical testing. Allele origin: germline.

Mayo Clinic Laboratories, Mayo Clinic
Classification: Benign. Last evaluated: 2024-10-24. Review status: criteria provided, single submitter. Criteria: ACMG Guidelines, 2015. Collection method: clinical testing. Allele origin: germline. Observed: 3 variant alleles.
Comment: BA1, BS2, BP4, BP7

Genome Diagnostics Laboratory, The Hospital for Sick Children
Classification: Likely benign for Kidney disorder. Last evaluated: 2019-04-01. Review status: criteria provided, single submitter. Criteria: ACMG Guidelines, 2015. Collection method: clinical testing. Allele origin: germline.

GeneDx
Classification: Benign. Last evaluated: 2019-02-27. Review status: criteria provided, single submitter. Criteria: GeneDx Variant Classification Process June 2021. Collection method: clinical testing. Allele origin: germline. Affected: yes.

Athena Diagnostics
Classification: Benign. Last evaluated: 2018-01-09. Review status: criteria provided, single submitter. Criteria: Athena Diagnostics Criteria. Collection method: clinical testing. Allele origin: germline.

Laboratory for Molecular Medicine, Mass General Brigham Personalized Medicine
Classification: Benign. Last evaluated: 2016-03-21. Review status: criteria provided, single submitter. Criteria: LMM Criteria. Collection method: clinical testing. Allele origin: germline. Observed: 3 variant alleles.
Comment: p.Asp1321Asp in exon 41 of COL4A4: This variant is not expected to have clinical significance because it does not alter an amino acid residue, is not located wi thin the splice consensus sequence, and has been identified in 3.63% (48/1322) o f African chromosomes by the 1000 Genomes Project (Phase 3; dbSNP rs116124529).

Breakthrough Genomics
Classification: Benign. Review status: criteria provided, single submitter. Criteria: ACMG Guidelines, 2015. Collection method: not provided. Allele origin: germline. Inheritance: Autosomal recessive inheritance. Affected: yes.

PreventionGenetics, part of Exact Sciences
Classification: Benign. Review status: criteria provided, single submitter. Criteria: ACMG Guidelines, 2015. Collection method: clinical testing. Allele origin: germline.

Natera, Inc.
Classification: Benign for Alport syndrome. Last evaluated: 2019-12-03. Review status: no assertion criteria provided. Collection method: clinical testing. Allele origin: germline. Not counted in ClinVar's aggregate classification.

Genome Diagnostics Laboratory, University Medical Center Utrecht
Classification: Benign. Review status: no assertion criteria provided. Collection method: clinical testing. Allele origin: germline. Affected: yes. Study: VKGL Data-share Consensus. Not counted in ClinVar's aggregate classification.

Joint Genome Diagnostic Labs from Nijmegen and Maastricht, Radboudumc and MUMC+
Classification: Benign. Review status: no assertion criteria provided. Collection method: clinical testing. Allele origin: germline. Affected: yes. Study: VKGL Data-share Consensus. Not counted in ClinVar's aggregate classification.